The following is an entry in ClinVar:

ClinVar aggregate classification (germline): Benign. Review status: criteria provided, multiple submitters, no conflicts (2 of 4 stars). 3 submissions from 3 submitters: Benign (3). Last evaluated 2023-11-12.

Allele frequency attached by ClinVar (database versions not stated): 1000 Genomes Project 0.18830; 1000 Genomes Project 30x 0.19394; gnomAD 0.20999 and 0.21044; TOPMed 0.21153; gnomAD exomes 0.22078.
gnomAD v4.1: 348,818 of 1,586,892 alleles (22%); highest among the groups gnomAD compares: Middle Eastern, 25%; 39,464 homozygotes.

Submissions (3):

Unidad de Genómica Garrahan, Hospital de Pediatría Garrahan
Classification: Benign. Last evaluated: 2023-11-12. Review status: criteria provided, single submitter. Criteria: ACMG Guidelines, 2015. Collection method: clinical testing. Allele origin: germline. Affected: no. Observed: 33 variant alleles.
Comment: This variant is classified as Benign based on local population frequency. This variant was detected in 34% of patients studied by a panel of primary immunodeficiencies. Number of patients: 33. Only high quality variants are reported.

GeneDx
Classification: Benign. Last evaluated: 2018-06-14. Review status: criteria provided, single submitter. Criteria: GeneDx Variant Classification (06012015). Collection method: clinical testing. Allele origin: germline. Affected: yes.
Comment: This variant is considered likely benign or benign based on one or more of the following criteria: it is a conservative change, it occurs at a poorly conserved position in the protein, it is predicted to be benign by multiple in silico algorithms, and/or has population frequency not consistent with disease.

Breakthrough Genomics
Classification: Benign. Review status: criteria provided, single submitter. Criteria: ACMG Guidelines, 2015. Collection method: not provided. Allele origin: germline. Inheritance: Autosomal recessive inheritance. Affected: yes.

NM_203447.4(DOCK8):c.2971-73T>A

Gene: DOCK8 (dedicator of cytokinesis 8; plus strand). Cytogenetic location: 9p24.3.
Variant type: single nucleotide variant.
Coding change: c.2971-73T>A on transcript NM_203447.4 (MANE Select); 73 bases into the intron before coding-DNA position 2971, T replaced by A.
Molecular consequence: intron variant.
Genome position (GRCh38, 1-based): chr9:396,712, T>A. VCF-style: chr9-396712-T-A. GRCh37 (hg19) VCF-style: chr9-396712-T-A.
Other names: c.2767-73T>A (NM_001193536.2); c.2671-73T>A (NM_001190458.2).
Identifiers: ClinVar variation 673883 (VCV000673883.4), dbSNP rs2297076, ClinGen allele CA13041946.